The following is an entry in ClinVar:

ClinVar aggregate classification (germline): Conflicting classifications of pathogenicity. Review status: criteria provided, conflicting classifications (1 of 4 stars). 3 submissions from 3 submitters: Uncertain significance (1); Likely benign (2). Last evaluated 2026-08-20.

Conditions:
Hemochromatosis type 2A (HFE2A). Also called: Adult-Onset Hemochromatosis; HJV (HFE2)-Related Juvenile Hemochromatosis. Identifiers: Orphanet 79230, MedGen C1865614, MONDO:0011216, OMIM 602390.
HJV-related disorder. Also called: HJV-related condition.

Allele frequency attached by ClinVar (database versions not stated): gnomAD exomes 0.00008 and 0.00015; TOPMed 0.00009; ExAC 0.00012; gnomAD 0.00013; 1000 Genomes Project 30x 0.00016; 1000 Genomes Project 0.00020; ESP Exome Variant Server 0.00023.

Submissions (3):

PreventionGenetics, part of Exact Sciences
Classification: Likely benign for HJV-related condition. Last evaluated: 2026-08-20. Review status: criteria provided, single submitter. Criteria: ACMG Guidelines, 2015. Collection method: clinical testing. Allele origin: germline.
Comment: This variant is classified as likely benign based on ACMG/AMP sequence variant interpretation guidelines (Richards et al. 2015 PMID: 25741868, with internal and published modifications).

Labcorp Genetics (formerly Invitae), Labcorp
Classification: Likely benign. Last evaluated: 2026-01-12. Review status: criteria provided, single submitter. Criteria: Invitae Variant Classification Sherloc (09022015). Collection method: clinical testing. Allele origin: germline.

Illumina Laboratory Services, Illumina
Classification: Uncertain significance for Hemochromatosis type 2A. Last evaluated: 2018-01-12. Review status: criteria provided, single submitter. Criteria: ICSL Variant Classification Criteria 13 December 2019. Collection method: clinical testing. Allele origin: germline.

NM_213653.4(HJV):c.756C>T (p.Ile252=)

Gene: HJV (hemojuvelin BMP co-receptor; minus strand). Cytogenetic location: 1q21.1.
Variant type: single nucleotide variant.
Coding change: c.756C>T on transcript NM_213653.4 (MANE Select); coding-DNA position 756, C replaced by T.
Protein change: p.Ile252=; no amino-acid change (isoleucine 252 retained).
Molecular consequence: synonymous variant.
Genome position (GRCh38, 1-based): chr1:146,018,602, G>A on the plus strand (C>T on the coding strand, the complement: HJV is on the minus strand). VCF-style: chr1-146018602-G-A. GRCh37 (hg19) VCF-style: chr1-145416411-C-T.
Other names: c.78C>T, p.Ile26= (NM_001316767.2, NM_202004.4, NM_213652.4); c.756C>T, p.Ile252= (NM_001379352.1); c.417C>T, p.Ile139= (NM_145277.5).
Identifiers: ClinVar variation 292428 (VCV000292428.16), dbSNP rs148524451, ClinGen allele CA1053889.
Genomic context (GRCh38, chr1:146,018,602, plus strand): 5'-GTTCCCAGGGTTAGCAGTTTGAATCGACAAACTGGATCCCCCAGGTCGGTCACCTCCATT[G>A]ATAGAACCATCTTCAAAGGCTACAGGAAGATTATCCACCTCAGCCTGATACACCTTCTGA-3'
Protein context (NP_998818.1, residues 242-262): NLPVAFEDGS[Ile252=]NGGDRPGGSS